The following is an entry in ClinVar:

ClinVar aggregate classification (germline): Uncertain significance. Review status: criteria provided, multiple submitters, no conflicts (2 of 4 stars). 3 submissions from 3 submitters: Uncertain significance (3). Last evaluated 2025-11-11.

Conditions:
Hereditary cancer-predisposing syndrome. Also called: Tumor predisposition; Hereditary neoplastic syndrome; Hereditary Cancer Syndrome; Neoplastic Syndromes, Hereditary. Identifiers: Orphanet 140162, MedGen C0027672, MeSH D009386, MONDO:0015356.
Multiple endocrine neoplasia, type 2 (MEN2). Identifiers: Orphanet 653, MedGen C4048306, MONDO:0019003. Disease mechanism: gain of function.

Allele frequency attached by ClinVar (database versions not stated): gnomAD exomes below 0.00001 and 0.00001; ExAC 0.00001.
gnomAD v4.1: 4 of 1,612,828 alleles (0.00025%); highest among the groups gnomAD compares: East Asian, 0.0089%; no homozygotes.

Submissions (3):

Labcorp Genetics (formerly Invitae), Labcorp
Classification: Uncertain significance for Multiple endocrine neoplasia, type 2. Last evaluated: 2025-11-11. Review status: criteria provided, single submitter. Criteria: Invitae Variant Classification Sherloc (09022015). Collection method: clinical testing. Allele origin: germline.
Comment: This sequence change replaces valine, which is neutral and non-polar, with isoleucine, which is neutral and non-polar, at codon 685 of the RET protein (p.Val685Ile). This variant is present in population databases (rs753686782, gnomAD 0.006%). This variant has not been reported in the literature in individuals affected with RET-related conditions. ClinVar contains an entry for this variant (Variation ID: 963206). An algorithm developed to predict the effect of missense changes on protein structure and function outputs the following: PolyPhen-2: "Benign". The isoleucine amino acid residue is found in multiple mammalian species, which suggests that this missense change does not adversely affect protein function. In summary, the available evidence is currently insufficient to determine the role of this variant in disease. Therefore, it has been classified as a Variant of Uncertain Significance.

GeneDx
Classification: Uncertain significance. Last evaluated: 2023-10-25. Review status: criteria provided, single submitter. Criteria: GeneDx Variant Classification Process June 2021. Collection method: clinical testing. Allele origin: germline. Affected: yes.
Comment: Not observed at significant frequency in large population cohorts (gnomAD); In silico analysis supports that this missense variant does not alter protein structure/function; Has not been previously published as pathogenic or benign to our knowledge

Ambry Genetics
Classification: Uncertain significance for Hereditary cancer-predisposing syndrome. Last evaluated: 2023-06-15. Review status: criteria provided, single submitter. Criteria: Ambry Variant Classification Scheme 2023. Collection method: clinical testing. Allele origin: germline.
Comment: The p.V685I variant (also known as c.2053G>A), located in coding exon 11 of the RET gene, results from a G to A substitution at nucleotide position 2053. The valine at codon 685 is replaced by isoleucine, an amino acid with highly similar properties. This amino acid position is not well conserved in available vertebrate species, and isoleucine is the reference amino acid in other vertebrate species. In addition, this alteration is predicted to be tolerated by in silico analysis. Since supporting evidence is limited at this time, the clinical significance of this alteration remains unclear.

NM_020975.6(RET):c.2053G>A (p.Val685Ile)

Gene: RET (ret proto-oncogene; plus strand). Cytogenetic location: 10q11.21.
Variant type: single nucleotide variant.
Coding change: c.2053G>A on transcript NM_020975.6 (MANE Select); coding-DNA position 2053, G replaced by A.
Protein change: p.Val685Ile; replaces valine 685 with isoleucine.
Molecular consequence: missense variant.
Genome position (GRCh38, 1-based): chr10:43,114,653, G>A. VCF-style: chr10-43114653-G-A. GRCh37 (hg19) VCF-style: chr10-43610101-G-A.
Other names: c.2053G>A, p.Val685Ile (NM_000323.2, NM_001406743.1, NM_001406744.1 and 4 more transcripts); c.1291G>A, p.Val431Ile (NM_001355216.2); c.1924G>A, p.Val642Ile (NM_001406761.1, NM_001406762.1, NM_001406764.1); c.1918G>A, p.Val640Ile (NM_001406763.1, NM_001406765.1); c.1765G>A, p.Val589Ile (NM_001406766.1, NM_001406767.1, NM_001406770.1); c.1789G>A, p.Val597Ile (NM_001406768.1); c.1657G>A, p.Val553Ile (NM_001406769.1, NM_001406772.1); c.1615G>A, p.Val539Ile (NM_001406771.1, NM_001406773.1); and 10 more; short protein forms V431I, V685I, V341I, V443I, V539I, V343I, V589I, V640I.
Identifiers: ClinVar variation 963206 (VCV000963206.11), dbSNP rs753686782, ClinGen allele CA037115.